The following is an entry in ClinVar:

NM_002734.5(PRKAR1A):c.-12C>G

Gene: PRKAR1A (protein kinase cAMP-dependent type I regulatory subunit alpha; plus strand). Cytogenetic location: 17q24.2.
Variant type: single nucleotide variant.
Coding change: c.-12C>G on transcript NM_002734.5 (MANE Select); 12 bases upstream of the start codon, C replaced by G.
Molecular consequence: 5 prime UTR variant. On other transcripts: intron variant (3).
Genome position (GRCh38, 1-based): chr17:68,512,543, C>G. VCF-style: chr17-68512543-C-G. GRCh37 (hg19) VCF-style: chr17-66508684-C-G.
Other names: c.-145C>G (NM_001276289.2); c.-43C>G (NM_212472.2); c.-6-2851C>G (NM_001278433.2); c.-140+401C>G (NM_001369389.1); c.-7+401C>G (NM_212471.3).
Identifiers: ClinVar variation 3719952 (VCV003719952.2).

ClinVar aggregate classification (germline): Uncertain significance (1 of 4 stars; one submission).

Conditions:
Carney complex, type 1 (CNC1). Also called: CARNEY COMPLEX, TYPE I; CARNEY MYXOMA-ENDOCRINE COMPLEX. Identifiers: Orphanet 1359, MedGen C2607929, MONDO:0008057, OMIM 160980.

Submission:

Labcorp Genetics (formerly Invitae), Labcorp
Classification: Uncertain significance for Carney complex, type 1. Last evaluated: 2025-12-15. Review status: criteria provided, single submitter. Criteria: Invitae Variant Classification Sherloc (09022015). Collection method: clinical testing. Allele origin: germline.
Comment: This variant occurs in a non-coding region of the PRKAR1A gene. It does not change the encoded amino acid sequence of the PRKAR1A protein. This variant is not present in population databases (gnomAD no frequency). This variant has not been reported in the literature in individuals affected with PRKAR1A-related conditions. ClinVar contains an entry for this variant (Variation ID: 3719952). In summary, the available evidence is currently insufficient to determine the role of this variant in disease. Therefore, it has been classified as a Variant of Uncertain Significance.